The following is an entry in ClinVar:

ClinVar aggregate classification (germline): Uncertain significance. Review status: criteria provided, multiple submitters, no conflicts (2 of 4 stars). 2 submissions from 2 submitters: Uncertain significance (2). Last evaluated 2025-10-07.

Conditions:
Progressive myoclonic epilepsy type 9. Identifiers: Orphanet 457265, MedGen C4225289, MONDO:0014685, OMIM 616540.
Lipodystrophy, partial, acquired, susceptibility to (APLD). Also called: APLD, SUSCEPTIBILITY TO. Identifiers: MedGen C3887501, MONDO:0100476, OMIM 608709.

Allele frequency attached by ClinVar (database versions not stated): ExAC 0.00004; gnomAD exomes 0.00006; ESP Exome Variant Server 0.00008; gnomAD 0.00016; TOPMed 0.00026.
gnomAD v4.1: 71 of 1,604,850 alleles (0.0044%); highest among the groups gnomAD compares: Admixed American, 0.035%; no homozygotes.

Submissions (2):

Labcorp Genetics (formerly Invitae), Labcorp
Classification: Uncertain significance for Progressive myoclonic epilepsy type 9; Lipodystrophy, partial, acquired, susceptibility to. Last evaluated: 2025-10-07. Review status: criteria provided, single submitter. Criteria: Invitae Variant Classification Sherloc (09022015). Collection method: clinical testing. Allele origin: germline.
Comment: This sequence change replaces arginine, which is basic and polar, with tryptophan, which is neutral and slightly polar, at codon 239 of the LMNB2 protein (p.Arg239Trp). This variant is present in population databases (rs375872872, gnomAD 0.03%). This variant has not been reported in the literature in individuals affected with LMNB2-related conditions. ClinVar contains an entry for this variant (Variation ID: 861241). Invitae Evidence Modeling of protein sequence and biophysical properties (such as structural, functional, and spatial information, amino acid conservation, physicochemical variation, residue mobility, and thermodynamic stability) has been performed for this missense variant. However, the output from this modeling did not meet the statistical confidence thresholds required to predict the impact of this variant on LMNB2 protein function. In summary, the available evidence is currently insufficient to determine the role of this variant in disease. Therefore, it has been classified as a Variant of Uncertain Significance.

Blueprint Genetics
Classification: Uncertain significance. Last evaluated: 2024-06-24. Review status: criteria provided, single submitter. Criteria: ACMG Guidelines, 2015. Collection method: clinical testing. Allele origin: germline.

NM_032737.4(LMNB2):c.715C>T (p.Arg239Trp)

Gene: LMNB2 (lamin B2; minus strand). Cytogenetic location: 19p13.3.
Variant type: single nucleotide variant.
Coding change: c.715C>T on transcript NM_032737.4 (MANE Select); coding-DNA position 715, C replaced by T.
Protein change: p.Arg239Trp; replaces arginine 239 with tryptophan.
Molecular consequence: missense variant.
Genome position (GRCh38, 1-based): chr19:2,435,141, G>A on the plus strand (C>T on the coding strand, the complement: LMNB2 is on the minus strand). VCF-style: chr19-2435141-G-A. GRCh37 (hg19) VCF-style: chr19-2435139-G-A.
Other names: short protein forms R239W.
Identifiers: ClinVar variation 861241 (VCV000861241.10), dbSNP rs375872872, ClinGen allele CA9067782.